The following is an entry in ClinVar:

ClinVar aggregate classification (germline): Pathogenic/Likely pathogenic. Review status: criteria provided, multiple submitters, no conflicts (2 of 4 stars). 2 submissions from 2 submitters: Pathogenic (1); Likely pathogenic (1). Last evaluated 2024-03-05.

Conditions:
SLC4A11-related disorder. Also called: SLC4A11-related condition.

Submissions (2):

Labcorp Genetics (formerly Invitae), Labcorp
Classification: Pathogenic. Last evaluated: 2024-03-05. Review status: criteria provided, single submitter. Criteria: Invitae Variant Classification Sherloc (09022015). Collection method: clinical testing. Allele origin: germline.
Comment: This sequence change creates a premature translational stop signal (p.Leu387Profs*23) in the SLC4A11 gene. It is expected to result in an absent or disrupted protein product. Loss-of-function variants in SLC4A11 are known to be pathogenic (PMID: 17220209, 17679935). This variant is not present in population databases (gnomAD no frequency). This variant has not been reported in the literature in individuals affected with SLC4A11-related conditions. For these reasons, this variant has been classified as Pathogenic.

Blueprint Genetics
Classification: Likely pathogenic for SLC4A11-related disorders. Last evaluated: 2022-08-22. Review status: criteria provided, single submitter. Criteria: ACMG Guidelines, 2015. Collection method: clinical testing. Allele origin: germline. Affected: yes. Observed: 1 variant allele.

Literature cited by the submitters: PubMed 17220209 (cited by Labcorp Genetics (formerly Invitae), Labcorp); PubMed 17679935 (cited by Labcorp Genetics (formerly Invitae), Labcorp).

NM_001174089.2(SLC4A11):c.1112_1118del (p.Leu371fs)

Gene: SLC4A11 (solute carrier family 4 member 11; minus strand). Cytogenetic location: 20p13.
Variant type: Deletion.
Coding change: c.1112_1118del on transcript NM_001174089.2 (MANE Select); coding-DNA positions 1112 to 1118, 7 bases deleted (TCCTGCC; older notation c.1112_1118delTCCTGCC).
Protein change: p.Leu371fs; shifts the reading frame from leucine 371.
Molecular consequence: frameshift variant. On other transcripts: non-coding transcript variant (3).
Genome position (GRCh38, 1-based): chr20:3,230,983-3,230,989, GGCAGGA deleted on the plus strand (TCCTGCC on the coding strand, the reverse complement: SLC4A11 is on the minus strand); deleting any 7 consecutive bases within chr20:3,230,983-3,230,995 gives the same sequence; the c. name uses the placement nearest the transcript's 3' end. VCF-style (leftmost placement, unchanged base first): chr20-3230982-GGGCAGGA-G. GRCh37 (hg19) VCF-style: chr20-3211628-GGGCAGGA-G.
Other names: c.1241_1247del, p.Leu414fs (NM_001174090.2, NM_001400280.1); c.1112_1118del, p.Leu371fs (NM_001363745.2); c.1055_1061del, p.Leu352fs (NM_001400277.1, NM_001400278.1, NM_001400279.1); c.1160_1166del, p.Leu387fs (NM_032034.4); short protein forms L352fs, L387fs, L414fs, L371fs.
Identifiers: ClinVar variation 3691567 (VCV003691567.3).